The following is an entry in ClinVar:

ClinVar aggregate classification (germline): Likely benign. Review status: criteria provided, multiple submitters, no conflicts (2 of 4 stars). 2 submissions from 2 submitters: Likely benign (2). Last evaluated 2026-04-01.

Allele frequency attached by ClinVar (database versions not stated): ExAC 0.00002; gnomAD exomes 0.00002 and 0.00003; gnomAD 0.00003; 1000 Genomes Project 30x 0.00016; 1000 Genomes Project 0.00020.
gnomAD v4.1: 49 of 1,614,170 alleles (0.003%); highest among the groups gnomAD compares: Middle Eastern, 0.016%; no homozygotes.

Submissions (2):

CeGaT Center for Human Genetics Tuebingen
Classification: Likely benign. Last evaluated: 2026-04-01. Review status: criteria provided, single submitter. Criteria: CeGaT Center For Human Genetics Tuebingen Variant Classification Criteria Version 2. Collection method: clinical testing. Allele origin: germline. Affected: yes. Observed: 2 variant alleles.
Comment: REST: BP4, BP7

Labcorp Genetics (formerly Invitae), Labcorp
Classification: Likely benign. Last evaluated: 2019-10-29. Review status: criteria provided, single submitter. Criteria: Invitae Variant Classification Sherloc (09022015). Collection method: clinical testing. Allele origin: germline.

NM_005612.5(REST):c.111C>G (p.Ser37=)

Gene: REST (RE1 silencing transcription factor; plus strand). Cytogenetic location: 4q12.
Variant type: single nucleotide variant.
Coding change: c.111C>G on transcript NM_005612.5 (MANE Select); coding-DNA position 111, C replaced by G.
Protein change: p.Ser37=; no amino-acid change (serine 37 retained).
Molecular consequence: synonymous variant.
Genome position (GRCh38, 1-based): chr4:56,910,749, C>G. VCF-style: chr4-56910749-C-G. GRCh37 (hg19) VCF-style: chr4-57776915-C-G.
Other names: c.111C>G, p.Ser37= (NM_001193508.2, NM_001363453.3).
Identifiers: ClinVar variation 1094717 (VCV001094717.32), dbSNP rs553786829, ClinGen allele CA2932041.